The following is an entry in ClinVar:

NM_005045.4(RELN):c.1555-11T>G

Gene: RELN (reelin; minus strand). Cytogenetic location: 7q22.1.
Variant type: single nucleotide variant.
Coding change: c.1555-11T>G on transcript NM_005045.4 (MANE Select); 11 bases into the intron before coding-DNA position 1555, T replaced by G.
Molecular consequence: intron variant.
Genome position (GRCh38, 1-based): chr7:103,652,770, A>C on the plus strand (T>G on the coding strand, the complement: RELN is on the minus strand). VCF-style: chr7-103652770-A-C. GRCh37 (hg19) VCF-style: chr7-103293217-A-C.
Other names: c.1555-11T>G (NM_173054.3).
Identifiers: ClinVar variation 4791662 (VCV004791662.1).

ClinVar aggregate classification (germline): Uncertain significance (1 of 4 stars; one submission).

Conditions:
Norman-Roberts syndrome (LIS2). Also called: Lissencephaly 2 (Norman-Roberts type). Identifiers: Orphanet 89844, MedGen C0796089, MONDO:0009760, OMIM 257320.
Familial temporal lobe epilepsy 7. Identifiers: Orphanet 101046, MedGen C4225327, MONDO:0014639, OMIM 616436.

gnomAD v4.1: 5 of 1,611,386 alleles (0.00031%); highest among the groups gnomAD compares: African/African-American, 0.0067%; no homozygotes.

Submission:

Labcorp Genetics (formerly Invitae), Labcorp
Classification: Uncertain significance for Familial temporal lobe epilepsy 7; Norman-Roberts syndrome. Last evaluated: 2025-06-01. Review status: criteria provided, single submitter. Criteria: Invitae Variant Classification Sherloc (09022015). Collection method: clinical testing. Allele origin: germline.
Comment: This sequence change falls in intron 13 of the RELN gene. It does not directly change the encoded amino acid sequence of the RELN protein. This variant is present in population databases (no rsID available, gnomAD 0.02%). This variant has not been reported in the literature in individuals affected with RELN-related conditions. Algorithms developed to predict the effect of sequence changes on RNA splicing suggest that this variant may disrupt the consensus splice site. In summary, the available evidence is currently insufficient to determine the role of this variant in disease. Therefore, it has been classified as a Variant of Uncertain Significance.